The following is an entry in ClinVar:

ClinVar aggregate classification (germline): Uncertain significance. Review status: criteria provided, multiple submitters, no conflicts (2 of 4 stars). 3 submissions from 3 submitters: Uncertain significance (3). Last evaluated 2026-09-25.

Conditions:
RP1-related disorder. Also called: RP1-related condition.

Allele frequency attached by ClinVar (database versions not stated): ExAC 0.00006; gnomAD 0.00035 and 0.00036; TOPMed 0.00063; 1000 Genomes Project 0.00080; 1000 Genomes Project 30x 0.00125; gnomAD exomes 0.00003 and 0.00004.
gnomAD v4.1: 82 of 1,614,212 alleles (0.0051%); highest among the groups gnomAD compares: Admixed American, 0.11%; no homozygotes.

Submissions (3):

PreventionGenetics, part of Exact Sciences
Classification: Uncertain significance for RP1-related condition. Last evaluated: 2026-09-25. Review status: criteria provided, single submitter. Criteria: ACMG Guidelines, 2015. Collection method: clinical testing. Allele origin: germline.
Comment: The RP1 c.698A>G variant is predicted to result in the amino acid substitution p.Asp233Gly. To our knowledge, this variant has not been reported in the literature. This variant is reported in 0.025% of alleles in individuals of Latino descent in gnomAD. At this time, the clinical significance of this variant is uncertain due to the absence of conclusive functional and genetic evidence.

Labcorp Genetics (formerly Invitae), Labcorp
Classification: Uncertain significance. Last evaluated: 2026-01-26. Review status: criteria provided, single submitter. Criteria: Invitae Variant Classification Sherloc (09022015). Collection method: clinical testing. Allele origin: germline.
Comment: This sequence change replaces aspartic acid, which is acidic and polar, with glycine, which is neutral and non-polar, at codon 233 of the RP1 protein (p.Asp233Gly). This variant is present in population databases (rs190484195, gnomAD 0.02%). This variant has not been reported in the literature in individuals affected with RP1-related conditions. ClinVar contains an entry for this variant (Variation ID: 836015). An algorithm developed to predict the effect of missense changes on protein structure and function (PolyPhen-2) suggests that this variant is likely to be tolerated. In summary, the available evidence is currently insufficient to determine the role of this variant in disease. Therefore, it has been classified as a Variant of Uncertain Significance.

Blueprint Genetics
Classification: Uncertain significance. Last evaluated: 2023-04-25. Review status: criteria provided, single submitter. Criteria: ACMG Guidelines, 2015. Collection method: clinical testing. Allele origin: germline.

NM_006269.2(RP1):c.698A>G (p.Asp233Gly)

Gene: RP1 (RP1 axonemal microtubule associated; plus strand). Cytogenetic location: 8q12.1.
Variant type: single nucleotide variant.
Coding change: c.698A>G on transcript NM_006269.2 (MANE Select); coding-DNA position 698, A replaced by G.
Protein change: p.Asp233Gly; replaces aspartic acid 233 with glycine.
Molecular consequence: missense variant.
Genome position (GRCh38, 1-based): chr8:54,622,199, A>G. VCF-style: chr8-54622199-A-G. GRCh37 (hg19) VCF-style: chr8-55534759-A-G.
Other names: c.698A>G, p.Asp233Gly (NM_001375654.1); short protein forms D233G.
Identifiers: ClinVar variation 836015 (VCV000836015.10), dbSNP rs190484195, ClinGen allele CA4751245.